The following is an entry in ClinVar:

NM_002528.7(NTHL1):c.395G>A (p.Ser132Asn)

Gene: NTHL1 (nth like DNA glycosylase 1; minus strand). Cytogenetic location: 16p13.3.
Variant type: single nucleotide variant.
Coding change: c.395G>A on transcript NM_002528.7 (MANE Select); coding-DNA position 395, G replaced by A.
Protein change: p.Ser132Asn; replaces serine 132 with asparagine.
Molecular consequence: missense variant. On other transcripts: intron variant (1).
Genome position (GRCh38, 1-based): chr16:2,044,760, C>T on the plus strand (G>A on the coding strand, the complement: NTHL1 is on the minus strand). VCF-style: chr16-2044760-C-T. GRCh37 (hg19) VCF-style: chr16-2094761-C-T.
Other names: c.65G>A, p.Ser22Asn (NM_001318194.2); c.355-1034G>A (NM_001318193.2); short protein forms S22N, S132N.
Identifiers: ClinVar variation 1418096 (VCV001418096.6), dbSNP rs377360166, ClinGen allele CA394294591.

ClinVar aggregate classification (germline): Uncertain significance (1 of 4 stars; one submission).

Allele frequency attached by ClinVar (database versions not stated): gnomAD exomes below 0.00001.
gnomAD v4.1: 1 of 1,611,810 alleles (0.000062%); highest among the groups gnomAD compares: South Asian, 0.0011%; no homozygotes.

Submission:

Labcorp Genetics (formerly Invitae), Labcorp
Classification: Uncertain significance. Last evaluated: 2021-09-26. Review status: criteria provided, single submitter. Criteria: Invitae Variant Classification Sherloc (09022015). Collection method: clinical testing. Allele origin: germline.
Comment: In summary, the available evidence is currently insufficient to determine the role of this variant in disease. Therefore, it has been classified as a Variant of Uncertain Significance. Algorithms developed to predict the effect of missense changes on protein structure and function are either unavailable or do not agree on the potential impact of this missense change (SIFT: "Not Available"; PolyPhen-2: "Probably Damaging"; Align-GVGD: "Not Available"). This variant has not been reported in the literature in individuals affected with NTHL1-related conditions. This variant is not present in population databases (ExAC no frequency). This sequence change replaces serine with asparagine at codon 140 of the NTHL1 protein (p.Ser140Asn). The serine residue is highly conserved and there is a small physicochemical difference between serine and asparagine.